The following is an entry in ClinVar:

NM_019594.4(LRRC8A):c.1979A>G (p.Asn660Ser)

Gene: LRRC8A (leucine rich repeat containing 8 VRAC subunit A; plus strand). Cytogenetic location: 9q34.11.
Variant type: single nucleotide variant.
Coding change: c.1979A>G on transcript NM_019594.4 (MANE Select); coding-DNA position 1979, A replaced by G.
Protein change: p.Asn660Ser; replaces asparagine 660 with serine.
Molecular consequence: missense variant.
Genome position (GRCh38, 1-based): chr9:128,909,143, A>G. VCF-style: chr9-128909143-A-G. GRCh37 (hg19) VCF-style: chr9-131671422-A-G.
Other names: c.1979A>G, p.Asn660Ser (NM_001127244.2, NM_001127245.2); short protein forms N660S.
Identifiers: ClinVar variation 2782275 (VCV002782275.3), dbSNP rs767232192, ClinGen allele CA5270973.

ClinVar aggregate classification (germline): Uncertain significance (1 of 4 stars; one submission).

Allele frequency attached by ClinVar (database versions not stated): gnomAD exomes below 0.00001; ExAC 0.00002.
gnomAD v4.1: 2 of 1,614,020 alleles (0.00012%); highest among the groups gnomAD compares: Admixed American, 0.0033%; no homozygotes.

Submission:

Labcorp Genetics (formerly Invitae), Labcorp
Classification: Uncertain significance. Last evaluated: 2024-01-19. Review status: criteria provided, single submitter. Criteria: Invitae Variant Classification Sherloc (09022015). Collection method: clinical testing. Allele origin: germline.
Comment: This sequence change replaces asparagine, which is neutral and polar, with serine, which is neutral and polar, at codon 660 of the LRRC8A protein (p.Asn660Ser). This variant is present in population databases (rs767232192, gnomAD 0.006%). This variant has not been reported in the literature in individuals affected with LRRC8A-related conditions. An algorithm developed to predict the effect of missense changes on protein structure and function (PolyPhen-2) suggests that this variant is likely to be tolerated. In summary, the available evidence is currently insufficient to determine the role of this variant in disease. Therefore, it has been classified as a Variant of Uncertain Significance.